The following is an entry in ClinVar:

ClinVar aggregate classification (germline): Uncertain significance (1 of 4 stars; one submission).

Conditions:
Wilson disease (WND). Also called: Wilson's disease. Identifiers: Orphanet 905, MedGen C0019202, MONDO:0010200, OMIM 277900. Disease mechanism: loss of function.

gnomAD v4.1: 11 of 1,614,176 alleles (0.00068%); highest among the groups gnomAD compares: Non-Finnish European, 0.00059%; no homozygotes.

Submission:

Color Diagnostics, LLC DBA Color Health
Classification: Uncertain significance for Wilson disease. Last evaluated: 2023-10-27. Review status: criteria provided, single submitter. Criteria: ACMG Guidelines, 2015. Collection method: clinical testing. Allele origin: germline.
Comment: This missense variant replaces cysteine with tyrosine at codon 499 of the ATP7B protein. Computational prediction suggests that this variant may have deleterious impact on protein structure and function. To our knowledge, functional studies have not been reported for this variant. This variant has not been reported in individuals affected with autosomal recessive Wilson disease in the literature. This variant has been identified in 1/249346 chromosomes in the general population by the Genome Aggregation Database (gnomAD). The available evidence is insufficient to determine the role of this variant in disease conclusively. Therefore, this variant is classified as a Variant of Uncertain Significance.

NM_000053.4(ATP7B):c.1496G>A (p.Cys499Tyr)

Gene: ATP7B (ATPase copper transporting beta; minus strand). Cytogenetic location: 13q14.3.
Variant type: single nucleotide variant.
Coding change: c.1496G>A on transcript NM_000053.4 (MANE Select); coding-DNA position 1496, G replaced by A.
Protein change: p.Cys499Tyr; replaces cysteine 499 with tyrosine.
Molecular consequence: missense variant. On other transcripts: intron variant (1).
Genome position (GRCh38, 1-based): chr13:51,970,539, C>T on the plus strand (G>A on the coding strand, the complement: ATP7B is on the minus strand). VCF-style: chr13-51970539-C-T. GRCh37 (hg19) VCF-style: chr13-52544675-C-T.
Other names: c.1496G>A, p.Cys499Tyr (NM_001406513.1, NM_001406514.1, NM_001406515.1 and 28 more transcripts); c.1400G>A, p.Cys467Tyr (NM_001406517.1, NM_001406518.1, NM_001406536.1 and 3 more transcripts); c.1067G>A, p.Cys356Tyr (NM_001406539.1); c.1163G>A, p.Cys388Tyr (NM_001243182.2); c.1285+3396G>A (NM_001406548.1); short protein forms C356Y, C388Y, C467Y, C499Y.
Identifiers: ClinVar variation 4758412 (VCV004758412.1).